The following is an entry in ClinVar:

NM_000553.6(WRN):c.2089-3024A>G

Gene: WRN (WRN RecQ like helicase; plus strand). Cytogenetic location: 8p12.
Variant type: single nucleotide variant.
Coding change: c.2089-3024A>G on transcript NM_000553.6 (MANE Select); 3024 bases into the intron before coding-DNA position 2089, A replaced by G.
Molecular consequence: intron variant.
Genome position (GRCh38, 1-based): chr8:31,108,591, A>G. VCF-style: chr8-31108591-A-G. GRCh37 (hg19) VCF-style: chr8-30966107-A-G.
Identifiers: ClinVar variation 38886 (VCV000038886.9), dbSNP rs281865157, ClinGen allele CA343148.

ClinVar aggregate classification (germline): Pathogenic/Likely pathogenic. Review status: criteria provided, multiple submitters, no conflicts (2 of 4 stars). 4 submissions from 4 submitters: Pathogenic (1); Likely pathogenic (2). 1 of the submissions does not count toward it. Last evaluated 2024-02-26.

Conditions:
Werner syndrome (WRN). Identifiers: Orphanet 902, MedGen C0043119, MONDO:0010196, OMIM 277700.

Submissions (4):

Baylor Genetics
Classification: Likely pathogenic for Werner syndrome. Last evaluated: 2024-02-26. Review status: criteria provided, single submitter. Criteria: ACMG Guidelines, 2015. Collection method: clinical testing. Allele origin: unknown.

Labcorp Genetics (formerly Invitae), Labcorp
Classification: Pathogenic for Werner syndrome. Last evaluated: 2024-02-19. Review status: criteria provided, single submitter. Criteria: Invitae Variant Classification Sherloc (09022015). Collection method: clinical testing. Allele origin: germline.
Comment: This sequence change falls in intron 18 of the WRN gene. It does not directly change the encoded amino acid sequence of the WRN protein. This variant is not present in population databases (gnomAD no frequency). This variant has been observed in individuals with Werner syndrome (PMID: 17478382). It is commonly reported in individuals of North Sardinian ancestry (PMID: 17478382). ClinVar contains an entry for this variant (Variation ID: 38886). Algorithms developed to predict the effect of sequence changes on RNA splicing suggest that this variant may create or strengthen a splice site. For these reasons, this variant has been classified as Pathogenic.

Department of Pathology and Laboratory Medicine, Sinai Health System
Classification: Likely pathogenic for Werner syndrome. Review status: criteria provided, single submitter. Criteria: ACMG Guidelines, 2015. Collection method: clinical testing. Allele origin: germline.

GeneReviews
No classification provided. Condition: Werner syndrome. Review status: no classification provided. Collection method: literature only. Allele origin: germline. Not counted in ClinVar's aggregate classification.
Comment: A founder variant in the Sardinian population. Creates a new exon between exons 18 and 19 that introduces a stop codon and alters the length of the protein.

Literature cited by the submitters: PubMed 17478382 (cited by Labcorp Genetics (formerly Invitae), Labcorp); PubMed 27667302 (cited by GeneReviews); PubMed 20301687 (cited by GeneReviews).